The following is an entry in ClinVar:

NM_000501.4(ELN):c.1859G>C (p.Gly620Ala)

Gene: ELN (elastin; plus strand). Cytogenetic location: 7q11.23.
Variant type: single nucleotide variant.
Coding change: c.1859G>C on transcript NM_000501.4 (MANE Select); coding-DNA position 1859, G replaced by C.
Protein change: p.Gly620Ala; replaces glycine 620 with alanine.
Molecular consequence: missense variant.
Genome position (GRCh38, 1-based): chr7:74,063,310, G>C. VCF-style: chr7-74063310-G-C. GRCh37 (hg19) VCF-style: chr7-73477640-G-C.
Other names: c.1772G>C, p.Gly591Ala (NM_001081752.3); c.1817G>C, p.Gly606Ala (NM_001081753.3); c.1874G>C, p.Gly625Ala (NM_001081754.3); c.1802G>C, p.Gly601Ala (NM_001081755.3); c.1859G>C, p.Gly620Ala (NM_001278912.2); c.1616G>C, p.Gly539Ala (NM_001278913.2); c.1787G>C, p.Gly596Ala (NM_001278914.2); c.1877G>C, p.Gly626Ala (NM_001278915.2); and 4 more; short protein forms G531A, G539A, G572A, G591A, G596A, G601A, G606A, G610A.
Identifiers: ClinVar variation 2413020 (VCV002413020.3), dbSNP rs2486525415, ClinGen allele CA367889657.

ClinVar aggregate classification (germline): Uncertain significance (1 of 4 stars; one submission).

Allele frequency attached by ClinVar (database versions not stated): gnomAD exomes below 0.00001.

Submission:

GeneDx
Classification: Uncertain significance. Last evaluated: 2023-01-27. Review status: criteria provided, single submitter. Criteria: GeneDx Variant Classification Process June 2021. Collection method: clinical testing. Allele origin: germline. Affected: yes.
Comment: Not observed at significant frequency in large population cohorts (gnomAD); At the protein level, in silico analysis supports that this missense variant has a deleterious effect on protein structure/function; At the mRNA level, in silico analysis supports a deleterious effect on splicing; Has not been previously published as pathogenic or benign to our knowledge